The following is an entry in ClinVar:

NM_018418.5(SPATA7):c.265_268del (p.Leu89fs)

Gene: SPATA7 (spermatogenesis associated 7; plus strand). Cytogenetic location: 14q31.3.
Variant type: Deletion.
Coding change: c.265_268del on transcript NM_018418.5 (MANE Select); coding-DNA positions 265 to 268, 4 bases deleted (CTCA; older notation c.265_268delCTCA).
Protein change: p.Leu89fs; shifts the reading frame from leucine 89.
Molecular consequence: frameshift variant.
Genome position (GRCh38, 1-based): chr14:88,416,737-88,416,740, CTCA deleted; deleting any 4 consecutive bases within chr14:88,416,736-88,416,740 gives the same sequence; the c. name uses the placement nearest the transcript's 3' end. VCF-style (leftmost placement, unchanged base first): chr14-88416735-AACTC-A. GRCh37 (hg19) VCF-style: chr14-88883079-AACTC-A.
Other names: c.169_172del, p.Leu57fs (NM_001040428.4); short protein forms L57fs, L89fs.
Identifiers: ClinVar variation 1076482 (VCV001076482.11), dbSNP rs777346333, ClinGen allele CA7298480.

ClinVar aggregate classification (germline): Pathogenic/Likely pathogenic. Review status: criteria provided, multiple submitters, no conflicts (2 of 4 stars). 4 submissions from 4 submitters: Pathogenic (2); Likely pathogenic (1). 1 of the submissions does not count toward it. Last evaluated 2022-11-14.

Conditions:
SPATA7-related disorder. Also called: SPATA7-related disorders; SPATA7-related condition. Identifiers: MedGen CN239422.
Leber congenital amaurosis (LCA). Also called: Leber's amaurosis. Identifiers: Orphanet 65, MedGen C0339527, MeSH D057130, MONDO:0018998.
Leber congenital amaurosis 3 (LCA3). Also called: SPATA7-Related Retinitis Pigmentosa. Identifiers: MedGen C1858677, MONDO:0011415, OMIM 604232.

Submissions (4):

Blueprint Genetics
Classification: Likely pathogenic for SPATA7-related disorders. Last evaluated: 2022-11-14. Review status: criteria provided, single submitter. Criteria: ACMG Guidelines, 2015. Collection method: clinical testing. Allele origin: germline. Affected: yes. Observed: 1 variant allele.

Labcorp Genetics (formerly Invitae), Labcorp
Classification: Pathogenic for Leber congenital amaurosis 3. Last evaluated: 2022-03-10. Review status: criteria provided, single submitter. Criteria: Invitae Variant Classification Sherloc (09022015). Collection method: clinical testing. Allele origin: germline.
Comment: This premature translational stop signal has been observed in individual(s) with inherited retinal dystrophy (PMID: 21310915). It has also been observed to segregate with disease in related individuals. This variant is present in population databases (rs777346333, gnomAD 0.02%). This sequence change creates a premature translational stop signal (p.Leu89Lysfs*4) in the SPATA7 gene. It is expected to result in an absent or disrupted protein product. Loss-of-function variants in SPATA7 are known to be pathogenic (PMID: 19268277, 22334370, 23847139, 26047050, 26261414). ClinVar contains an entry for this variant (Variation ID: 1076482). For these reasons, this variant has been classified as Pathogenic.

Women's Health and Genetics/Laboratory Corporation of America, LabCorp
Classification: Pathogenic for Leber congenital amaurosis. Last evaluated: 2022-02-18. Review status: criteria provided, single submitter. Criteria: LabCorp Variant Classification Summary - May 2015. Collection method: clinical testing. Allele origin: germline.
Comment: Variant summary: SPATA7 c.265_268delCTCA (p.Leu89LysfsX4) results in a premature termination codon, predicted to cause a truncation of the encoded protein or absence of the protein due to nonsense mediated decay, which are commonly known mechanisms for disease. Truncations downstream of this position have not been observed at our laboratory but have been observed in the HGMD database. The variant allele was found at a frequency of 8e-06 in 250644 control chromosomes. c.265_268delCTCA has been reported in the literature in individuals affected with Leber Congenital Amaurosis and Hereditary Retinal Degeneration (example, Mackay_2011, Xiao_2019). To our knowledge, no experimental evidence demonstrating an impact on protein function has been reported. One clinical diagnostic laboratory has submitted clinical-significance assessments for this variant to ClinVar after 2014 and classified the variant as pathogenic. Based on the evidence outlined above, the variant was classified as pathogenic.

OMIM
Classification: Pathogenic for LEBER CONGENITAL AMAUROSIS 3. Last evaluated: 2011-05-09. Review status: no assertion criteria provided. Collection method: literature only. Allele origin: germline. Not counted in ClinVar's aggregate classification.

Literature cited by the submitters: PubMed 21310915 (cited by 3 submitters); PubMed 19268277 (cited by Labcorp Genetics (formerly Invitae), Labcorp); PubMed 22334370 (cited by Labcorp Genetics (formerly Invitae), Labcorp); PubMed 23847139 (cited by Labcorp Genetics (formerly Invitae), Labcorp); PubMed 26047050 (cited by Labcorp Genetics (formerly Invitae), Labcorp); PubMed 26261414 (cited by Labcorp Genetics (formerly Invitae), Labcorp); PubMed 31908400 (cited by Women's Health and Genetics/Laboratory Corporation of America, LabCorp).